The following is an entry in ClinVar:

NM_020549.5(CHAT):c.593G>A (p.Trp198Ter)

Gene: CHAT (choline O-acetyltransferase; plus strand). Cytogenetic location: 10q11.23.
Variant type: single nucleotide variant.
Coding change: c.593G>A on transcript NM_020549.5 (MANE Select); coding-DNA position 593, G replaced by A.
Protein change: p.Trp198Ter; replaces tryptophan 198 with a stop codon.
Molecular consequence: nonsense.
Genome position (GRCh38, 1-based): chr10:49,620,508, G>A. VCF-style: chr10-49620508-G-A. GRCh37 (hg19) VCF-style: chr10-50828554-G-A.
Other names: c.239G>A, p.Trp80Ter (NM_001142929.2, NM_001142934.2, NM_020984.4 and 2 more transcripts); c.347G>A, p.Trp116Ter (NM_001142933.2); short protein forms W116*, W198*, W80*.
Identifiers: ClinVar variation 2680731 (VCV002680731.3), dbSNP rs2496323700, ClinGen allele CA376727348.
Genomic context (GRCh38, chr10:49,620,508, plus strand): 5'-GGGACTGTTTGGGGGGATGTGACGGCCTTCCCTGCCCTCCCCGGCAGGTGTCTGAGTACT[G>A]GCTGAATGACATGTATCTCAACAACCGCCTGGCCCTGCCTGTCAACTCCAGCCCTGCCGT-3'

ClinVar aggregate classification (germline): Pathogenic/Likely pathogenic. Review status: criteria provided, multiple submitters, no conflicts (2 of 4 stars). 2 submissions from 2 submitters: Pathogenic (1); Likely pathogenic (1). Last evaluated 2024-02-03.

Conditions:
Familial infantile myasthenia (CMS6). Also called: MYASTHENIC SYNDROME, PRESYNAPTIC, CONGENITAL, ASSOCIATED WITH EPISODIC APNEA; Congenital myasthenic syndrome type 6; MYASTHENIC SYNDROME, CONGENITAL, 6, PRESYNAPTIC. Identifiers: Orphanet 590, MedGen C0393929, MONDO:0009689, OMIM 254210.

Submissions (2):

Labcorp Genetics (formerly Invitae), Labcorp
Classification: Pathogenic for Familial infantile myasthenia. Last evaluated: 2024-02-03. Review status: criteria provided, single submitter. Criteria: Invitae Variant Classification Sherloc (09022015). Collection method: clinical testing. Allele origin: germline.
Comment: This sequence change creates a premature translational stop signal (p.Trp198*) in the CHAT gene. It is expected to result in an absent or disrupted protein product. Loss-of-function variants in CHAT are known to be pathogenic (PMID: 12548525, 21786365, 23292760). This variant is not present in population databases (gnomAD no frequency). This variant has not been reported in the literature in individuals affected with CHAT-related conditions. For these reasons, this variant has been classified as Pathogenic.

Baylor Genetics
Classification: Likely pathogenic for Familial infantile myasthenia. Last evaluated: 2023-08-06. Review status: criteria provided, single submitter. Criteria: ACMG Guidelines, 2015. Collection method: clinical testing. Allele origin: unknown.

Literature cited by the submitters: PubMed 12548525 (cited by Labcorp Genetics (formerly Invitae), Labcorp); PubMed 21786365 (cited by Labcorp Genetics (formerly Invitae), Labcorp); PubMed 23292760 (cited by Labcorp Genetics (formerly Invitae), Labcorp).